The following is an entry in ClinVar:

ClinVar aggregate classification (germline): Conflicting classifications of pathogenicity. Review status: criteria provided, conflicting classifications (1 of 4 stars). 4 submissions from 4 submitters: Uncertain significance (2); Benign (1); Likely benign (1). Last evaluated 2025-12-02.

Conditions:
Thrombocytopenia 1. Also called: THROMBOCYTOPENIA, X-LINKED, 1; X-linked thrombocytopenia with normal platelets; X-Linked Thrombocytopenia (XLT). Identifiers: Orphanet 268322, Orphanet 852, MedGen C1839163, MONDO:0010743, OMIM 313900.
Wiskott-Aldrich syndrome (WAS). Also called: WISKOTT-ALDRICH SYNDROME 1; ALDRICH SYNDROME; IMMUNODEFICIENCY 2; Wiskott-aldrich syndrome, somatic. Identifiers: Orphanet 906, MedGen C0043194, MONDO:0010518, OMIM 301000.
X-linked severe congenital neutropenia (SCNX). Identifiers: Orphanet 86788, MedGen C1845987, MONDO:0010294, OMIM 300299.

Allele frequency attached by ClinVar (database versions not stated): gnomAD exomes 0.00003 and 0.00007; ExAC 0.00008; gnomAD 0.00019 and 0.00021; TOPMed 0.00024; 1000 Genomes Project 30x 0.00042; ESP Exome Variant Server 0.00047.
gnomAD v4.1: 52 of 1,207,470 alleles (0.0043%); highest among the groups gnomAD compares: African/African-American, 0.071%; no homozygotes.

Submissions (4):

Labcorp Genetics (formerly Invitae), Labcorp
Classification: Benign for Wiskott-Aldrich syndrome; X-linked severe congenital neutropenia; Thrombocytopenia 1. Last evaluated: 2025-12-02. Review status: criteria provided, single submitter. Criteria: Invitae Variant Classification Sherloc (09022015). Collection method: clinical testing. Allele origin: germline.

Women's Health and Genetics/Laboratory Corporation of America, LabCorp
Classification: Uncertain significance. Last evaluated: 2025-10-31. Review status: criteria provided, single submitter. Criteria: LabCorp Variant Classification Summary - May 2015. Collection method: clinical testing. Allele origin: germline.
Comment: Variant summary: WAS c.1455C>T (p.Asp485Asp) alters a conserved nucleotide located close to a canonical splice site and therefore could affect mRNA splicing, leading to a significantly altered protein sequence. Consensus agreement among computation tools predict no significant impact on normal splicing. However, these predictions have yet to be confirmed by functional studies. The variant allele was found at a frequency of 7.1e-05 in 183082 control chromosomes. This frequency is not significantly higher than estimated for disease-causing variants in WAS, allowing no conclusion about variant significance. To our knowledge, no occurrence of c.1455C>T in individuals affected with WAS-related conditions and no experimental evidence demonstrating its impact on protein function have been reported. ClinVar contains an entry for this variant (Variation ID: 547079). Based on the evidence outlined above, the variant was classified as uncertain significance.

Mayo Clinic Laboratories, Mayo Clinic
Classification: Likely benign. Last evaluated: 2025-01-13. Review status: criteria provided, single submitter. Criteria: ACMG Guidelines, 2015. Collection method: clinical testing. Allele origin: germline. Observed: 1 variant allele.
Comment: BS2, BP4, BP7

CeGaT Center for Human Genetics Tuebingen
Classification: Uncertain significance. Last evaluated: 2018-01-01. Review status: criteria provided, single submitter. Criteria: CeGaT Center For Human Genetics Tuebingen Variant Classification Criteria Version 2. Collection method: clinical testing. Allele origin: germline. Affected: yes. Observed: 1 variant allele.

NM_000377.3(WAS):c.1455C>T (p.Asp485=)

Gene: WAS (WASP actin nucleation promoting factor; plus strand). Cytogenetic location: Xp11.23.
Variant type: single nucleotide variant.
Coding change: c.1455C>T on transcript NM_000377.3 (MANE Select); coding-DNA position 1455, C replaced by T.
Protein change: p.Asp485=; no amino-acid change (aspartic acid 485 retained).
Molecular consequence: synonymous variant.
Genome position (GRCh38, 1-based): chrX:48,691,108, C>T. VCF-style: chrX-48691108-C-T. GRCh37 (hg19) VCF-style: chrX-48549499-C-T.
Other names: p.Asp485=.
Identifiers: ClinVar variation 547079 (VCV000547079.50), dbSNP rs35359501, ClinGen allele CA10404102.